The following is an entry in ClinVar:

ClinVar aggregate classification (germline): Conflicting classifications of pathogenicity. Review status: criteria provided, conflicting classifications (1 of 4 stars). 3 submissions from 3 submitters: Uncertain significance (2); Likely benign (1). Last evaluated 2025-01-01.

Conditions:
Pyogenic arthritis-pyoderma gangrenosum-acne syndrome (PAPA). Also called: PAPA SYNDROME; FAMILIAL RECURRENT ARTHRITIS. Identifiers: Orphanet 69126, MedGen C1858361, MONDO:0011462, OMIM 604416.

Allele frequency attached by ClinVar (database versions not stated): ExAC 0.00001; gnomAD 0.00002; gnomAD exomes 0.00003 and 0.00015; TOPMed 0.00004.
gnomAD v4.1: 222 of 1,612,446 alleles (0.014%); highest among the groups gnomAD compares: Non-Finnish European, 0.018%; no homozygotes.

Submissions (3):

CeGaT Center for Human Genetics Tuebingen
Classification: Likely benign. Last evaluated: 2025-01-01. Review status: criteria provided, single submitter. Criteria: CeGaT Center For Human Genetics Tuebingen Variant Classification Criteria Version 2. Collection method: clinical testing. Allele origin: germline. Affected: yes. Observed: 1 variant allele.
Comment: PSTPIP1: BP4

Labcorp Genetics (formerly Invitae), Labcorp
Classification: Uncertain significance for Pyogenic arthritis-pyoderma gangrenosum-acne syndrome. Last evaluated: 2024-09-26. Review status: criteria provided, single submitter. Criteria: Invitae Variant Classification Sherloc (09022015). Collection method: clinical testing. Allele origin: germline.
Comment: This sequence change replaces threonine, which is neutral and polar, with methionine, which is neutral and non-polar, at codon 255 of the PSTPIP1 protein (p.Thr255Met). This variant is present in population databases (rs766895096, gnomAD 0.006%). This missense change has been observed in individual(s) with clinical features of PAPA syndrome (PMID: 34273117). ClinVar contains an entry for this variant (Variation ID: 426913). Invitae Evidence Modeling of protein sequence and biophysical properties (such as structural, functional, and spatial information, amino acid conservation, physicochemical variation, residue mobility, and thermodynamic stability) indicates that this missense variant is not expected to disrupt PSTPIP1 protein function with a negative predictive value of 80%. In summary, the available evidence is currently insufficient to determine the role of this variant in disease. Therefore, it has been classified as a Variant of Uncertain Significance.

GeneDx
Classification: Uncertain significance. Last evaluated: 2018-02-15. Review status: criteria provided, single submitter. Criteria: GeneDx Variant Classification (06012015). Collection method: clinical testing. Allele origin: germline. Affected: yes.
Comment: The T255M variant in the PSTPIP1 gene has not been reported previously as a pathogenic variant, nor as a benign variant, to our knowledge. The T255M variant is observed in 1/63804 (0.002%) alleles from individuals of European Non-Finnish background in the ExAC dataset (Lek et al., 2016). The T255M variant is a non-conservative amino acid substitution, which is likely to impact secondary protein structure as these residues differ in polarity, charge, size and/or other properties. This substitution occurs at a position in the F-BAR domain that is not conserved across species. However, in silico analysis predicts this variant is probably damaging to the protein structure/function. We interpret T255M as a variant of uncertain significance.

Literature cited by the submitters: PubMed 34273117 (cited by Labcorp Genetics (formerly Invitae), Labcorp).

NM_003978.5(PSTPIP1):c.764C>T (p.Thr255Met)

Gene: PSTPIP1 (proline-serine-threonine phosphatase interacting protein 1; plus strand). Cytogenetic location: 15q24.3.
Variant type: single nucleotide variant.
Coding change: c.764C>T on transcript NM_003978.5 (MANE Select); coding-DNA position 764, C replaced by T.
Protein change: p.Thr255Met; replaces threonine 255 with methionine.
Molecular consequence: missense variant.
Genome position (GRCh38, 1-based): chr15:77,032,320, C>T. VCF-style: chr15-77032320-C-T. GRCh37 (hg19) VCF-style: chr15-77324661-C-T.
Other names: c.764C>T (LRG_172t1); c.764C>T, p.Thr255Met (NM_001321135.2); c.737C>T, p.Thr246Met (NM_001321136.2); c.959C>T, p.Thr320Met (NM_001321137.1); short protein forms T255M, T246M, T320M.
Identifiers: ClinVar variation 426913 (VCV000426913.24), dbSNP rs766895096, ClinGen allele CA7675976.
Genomic context (GRCh38, chr15:77,032,320, plus strand): 5'-GGGCATCGGGCTGCGGCCTCTGCTCTTTCCTGCCCCAGCTCTACGAGGAAGTGCGGCTGA[C>T]GCTGGAAGGCTGCAGCATAGACGCCGACATCGACAGTTTCATCCAGGCCAAGAGCACGGG-3'
Protein context (NP_003969.2, residues 245-265): DDELYEEVRL[Thr255Met]LEGCSIDADI